The following is an entry in ClinVar:

NM_032492.4(JAGN1):c.172G>A (p.Gly58Arg)

Gene: JAGN1 (jagunal vesicle mediated transporter 1; plus strand). Cytogenetic location: 3p25.3.
Variant type: single nucleotide variant.
Coding change: c.172G>A on transcript NM_032492.4 (MANE Select); coding-DNA position 172, G replaced by A.
Protein change: p.Gly58Arg; replaces glycine 58 with arginine.
Molecular consequence: missense variant.
Genome position (GRCh38, 1-based): chr3:9,892,997, G>A. VCF-style: chr3-9892997-G-A. GRCh37 (hg19) VCF-style: chr3-9934681-G-A.
Other names: c.10G>A, p.Gly4Arg (NM_001363890.1); c.172G>A, p.Gly58Arg (LRG_1228t1); short protein forms G58R, G4R.
Identifiers: ClinVar variation 475243 (VCV000475243.5), dbSNP rs919986813, ClinGen allele CA69985923.
Genomic context (GRCh38, chr3:9,892,997, plus strand): 5'-AAGAAGCTGATCTACGTACATCTGGTCATATGGCTGCTGCTGGTTGCTAAGATGAGCGTG[G>A]GACACCTGAGGCTCTTGTCACATGATCAGGTGGCCATGCCCTATCAGTGGGAATACCCGT-3'
Protein context (NP_115881.3, residues 48-68): WLLLVAKMSV[Gly58Arg]HLRLLSHDQV

ClinVar aggregate classification (germline): Uncertain significance (1 of 4 stars; one submission).

Conditions:
Autosomal recessive severe congenital neutropenia due to JAGN1 deficiency. Also called: Severe congenital neutropenia 6, autosomal recessive. Identifiers: Orphanet 423384, MedGen C4014954, MONDO:0014456, OMIM 616022.

Allele frequency attached by ClinVar (database versions not stated): TOPMed 0.00003; gnomAD 0.00001; gnomAD exomes below 0.00001.
gnomAD v4.1: 7 of 1,614,018 alleles (0.00043%); highest among the groups gnomAD compares: African/African-American, 0.008%; no homozygotes.

Submission:

Labcorp Genetics (formerly Invitae), Labcorp
Classification: Uncertain significance for Autosomal recessive severe congenital neutropenia due to JAGN1 deficiency. Last evaluated: 2017-06-13. Review status: criteria provided, single submitter. Criteria: Invitae Variant Classification Sherloc (09022015). Collection method: clinical testing. Allele origin: germline.
Comment: In summary, this variant has uncertain impact on JAGN1 function. The available evidence is currently insufficient to determine its role in disease. Therefore, it has been classified as a Variant of Uncertain Significance. Algorithms developed to predict the effect of missense changes on protein structure and function do not agree on the potential impact of this missense change (SIFT: "Tolerated"; PolyPhen-2: "Possibly Damaging"; Align-GVGD: "Class C0"). This variant has not been reported in the literature in individuals with a JAGN1-related disease. This variant is not present in population databases (ExAC no frequency). This sequence change replaces glycine with arginine at codon 58 of the JAGN1 protein (p.Gly58Arg). The glycine residue is moderately conserved and there is a moderate physicochemical difference between glycine and arginine.